The following is an entry in ClinVar:

ClinVar aggregate classification (germline): Uncertain significance (1 of 4 stars; one submission).

Conditions:
Wilms tumor 1 (WT1). Also called: Wilms tumor, somatic. Identifiers: Orphanet 654, MedGen CN033288, MONDO:0008679, OMIM 194070.

Submission:

Labcorp Genetics (formerly Invitae), Labcorp
Classification: Uncertain significance for Wilms tumor 1. Last evaluated: 2022-07-06. Review status: criteria provided, single submitter. Criteria: Invitae Variant Classification Sherloc (09022015). Collection method: clinical testing. Allele origin: germline.
Comment: In summary, the available evidence is currently insufficient to determine the role of this variant in disease. Therefore, it has been classified as a Variant of Uncertain Significance. Algorithms developed to predict the effect of missense changes on protein structure and function (SIFT, PolyPhen-2, Align-GVGD) all suggest that this variant is likely to be tolerated. ClinVar contains an entry for this variant (Variation ID: 1478633). This variant has not been reported in the literature in individuals affected with GPC3-related conditions. This variant is not present in population databases (gnomAD no frequency). This sequence change replaces histidine, which is basic and polar, with glutamine, which is neutral and polar, at codon 553 of the GPC3 protein (p.His553Gln).

NM_004484.4(GPC3):c.1659C>G (p.His553Gln)

Gene: GPC3 (glypican 3; minus strand). Cytogenetic location: Xq26.2.
Variant type: single nucleotide variant.
Coding change: c.1659C>G on transcript NM_004484.4 (MANE Select); coding-DNA position 1659, C replaced by G.
Protein change: p.His553Gln; replaces histidine 553 with glutamine.
Molecular consequence: missense variant.
Genome position (GRCh38, 1-based): chrX:133,536,208, G>C on the plus strand (C>G on the coding strand, the complement: GPC3 is on the minus strand). VCF-style: chrX-133536208-G-C. GRCh37 (hg19) VCF-style: chrX-132670236-G-C.
Other names: c.1728C>G, p.His576Gln (NM_001164617.2); c.1611C>G, p.His537Gln (NM_001164618.2); c.1497C>G, p.His499Gln (NM_001164619.2); short protein forms H499Q, H537Q, H553Q, H576Q.
Identifiers: ClinVar variation 1478633 (VCV001478633.8), dbSNP rs2069288907, ClinGen allele CA414702930.